The following is an entry in ClinVar:

NM_014679.5(CEP57):c.1036T>C (p.Leu346=)

Gene: CEP57 (centrosomal protein 57; plus strand). Cytogenetic location: 11q21.
Variant type: single nucleotide variant.
Coding change: c.1036T>C on transcript NM_014679.5 (MANE Select); coding-DNA position 1036, T replaced by C.
Protein change: p.Leu346=; no amino-acid change (leucine 346 retained).
Molecular consequence: synonymous variant.
Genome position (GRCh38, 1-based): chr11:95,827,936, T>C. VCF-style: chr11-95827936-T-C. GRCh37 (hg19) VCF-style: chr11-95561100-T-C.
Other names: c.1009T>C, p.Leu337= (NM_001243776.2); c.958T>C, p.Leu320= (NM_001243777.2); c.955T>C, p.Leu319= (NM_001363604.2).
Identifiers: ClinVar variation 240920 (VCV000240920.38), dbSNP rs34254650, ClinGen allele CA6239668.

ClinVar aggregate classification (germline): Benign/Likely benign. Review status: criteria provided, multiple submitters, no conflicts (2 of 4 stars). 5 submissions from 5 submitters: Benign (3); Likely benign (2). Last evaluated 2026-01-11.

Conditions:
Mosaic variegated aneuploidy syndrome 2 (MVA2). Identifiers: Orphanet 1052, MedGen C3279843, MONDO:0013582, OMIM 614114.
Inborn genetic diseases. Identifiers: MedGen C0950123, MeSH D030342.

Allele frequency attached by ClinVar (database versions not stated): gnomAD exomes 0.00024 and 0.00069; ExAC 0.00093; gnomAD 0.00293 and 0.00314; TOPMed 0.00311; ESP Exome Variant Server 0.00315; 1000 Genomes Project 0.00459; 1000 Genomes Project 30x 0.00468.
gnomAD v4.1: 819 of 1,614,122 alleles (0.051%); highest among the groups gnomAD compares: African/African-American, 0.97%; 5 homozygotes.

Submissions (5):

Labcorp Genetics (formerly Invitae), Labcorp
Classification: Benign for Mosaic variegated aneuploidy syndrome 2. Last evaluated: 2026-01-11. Review status: criteria provided, single submitter. Criteria: Invitae Variant Classification Sherloc (09022015). Collection method: clinical testing. Allele origin: germline.

Ambry Genetics
Classification: Likely benign for Inborn genetic diseases. Last evaluated: 2024-10-04. Review status: criteria provided, single submitter. Criteria: Ambry Variant Classification Scheme 2023. Collection method: clinical testing. Allele origin: germline.

Blueprint Genetics
Classification: Likely benign. Last evaluated: 2024-05-03. Review status: criteria provided, single submitter. Criteria: ACMG Guidelines, 2015. Collection method: clinical testing. Allele origin: germline.

CeGaT Center for Human Genetics Tuebingen
Classification: Benign. Last evaluated: 2023-05-01. Review status: criteria provided, single submitter. Criteria: CeGaT Center For Human Genetics Tuebingen Variant Classification Criteria Version 2. Collection method: clinical testing. Allele origin: germline. Affected: yes. Observed: 1 variant allele.
Comment: CEP57: BP4, BP7, BS1, BS2

Breakthrough Genomics
Classification: Benign. Review status: criteria provided, single submitter. Criteria: ACMG Guidelines, 2015. Collection method: not provided. Allele origin: germline. Inheritance: Autosomal recessive inheritance. Affected: yes.